The following is an entry in ClinVar:

NM_031885.5(BBS2):c.2060T>C (p.Val687Ala)

Gene: BBS2 (Bardet-Biedl syndrome 2; minus strand). Cytogenetic location: 16q13.
Variant type: single nucleotide variant.
Coding change: c.2060T>C on transcript NM_031885.5 (MANE Select); coding-DNA position 2060, T replaced by C.
Protein change: p.Val687Ala; replaces valine 687 with alanine.
Molecular consequence: missense variant. On other transcripts: non-coding transcript variant (5).
Genome position (GRCh38, 1-based): chr16:56,484,867, A>G on the plus strand (T>C on the coding strand, the complement: BBS2 is on the minus strand). VCF-style: chr16-56484867-A-G. GRCh37 (hg19) VCF-style: chr16-56518779-A-G.
Other names: c.2060T>C, p.Val687Ala (NM_001377456.1); short protein forms V687A.
Identifiers: ClinVar variation 4978252 (VCV004978252.1).

ClinVar aggregate classification (germline): Uncertain significance (1 of 4 stars; one submission).

Conditions:
BBS2-related disorder. Also called: BBS2-related condition; BBS2-related disorders. Identifiers: MedGen CN239228.

gnomAD v4.1: 5 of 1,612,730 alleles (0.00031%); highest among the groups gnomAD compares: Admixed American, 0.005%; no homozygotes.

Submission:

PreventionGenetics, part of Exact Sciences
Classification: Uncertain significance for BBS2-related condition. Last evaluated: 2026-03-03. Review status: criteria provided, single submitter. Criteria: ACMG Guidelines, 2015. Collection method: clinical testing. Allele origin: germline.
Comment: The BBS2 c.2060T>C variant is predicted to result in the amino acid substitution p.Val687Ala. To our knowledge, this variant has not been reported in the literature. This variant is reported in 0.0029% of alleles in individuals of Latino descent in gnomAD. At this time, the clinical significance of this variant is uncertain due to the absence of conclusive functional and genetic evidence.